The following is an entry in ClinVar:

NM_001189.4(NKX3-2):c.135_136delinsAT (p.Ala46Ser)

Gene: NKX3-2 (NK3 homeobox 2; minus strand). Cytogenetic location: 4p15.33.
Variant type: Indel.
Coding change: c.135_136delinsAT on transcript NM_001189.4 (MANE Select); coding-DNA positions 135 to 136, GG replaced by AT.
Protein change: p.Ala46Ser; replaces alanine 46 with serine.
Molecular consequence: missense variant.
Genome position (GRCh38, 1-based): chr4:13,544,279-13,544,280, CC replaced by AT on the plus strand (GG replaced by AT on the coding strand, the reverse complement: NKX3-2 is on the minus strand). VCF-style: chr4-13544279-CC-AT. GRCh37 (hg19) VCF-style: chr4-13545903-CC-AT.
Other names: short protein forms A46S.
Identifiers: ClinVar variation 1043487 (VCV001043487.4), dbSNP rs1718069862, ClinGen allele CA1439699368.

ClinVar aggregate classification (germline): Uncertain significance (1 of 4 stars; one submission).

Submission:

Labcorp Genetics (formerly Invitae), Labcorp
Classification: Uncertain significance. Last evaluated: 2022-08-31. Review status: criteria provided, single submitter. Criteria: Invitae Variant Classification Sherloc (09022015). Collection method: clinical testing. Allele origin: germline.
Comment: This sequence change replaces alanine, which is neutral and non-polar, with serine, which is neutral and polar, at codon 46 of the NKX3-2 protein (p.Ala46Ser). Information on the frequency of this variant in the gnomAD database is not available, as this variant may be reported differently in the database. This variant has not been reported in the literature in individuals affected with NKX3-2-related conditions. ClinVar contains an entry for this variant (Variation ID: 1043487). Experimental studies and prediction algorithms are not available or were not evaluated, and the functional significance of this variant is currently unknown. In summary, the available evidence is currently insufficient to determine the role of this variant in disease. Therefore, it has been classified as a Variant of Uncertain Significance.